The following is an entry in ClinVar:

ClinVar aggregate classification (germline): Pathogenic/Likely pathogenic. Review status: criteria provided, multiple submitters, no conflicts (2 of 4 stars). 2 submissions from 2 submitters: Pathogenic (1); Likely pathogenic (1). Last evaluated 2024-04-17.

Conditions:
Neurofibromatosis, type 1 (NF1). Also called: NEUROFIBROMATOSIS, TYPE I, SOMATIC; VON RECKLINGHAUSEN DISEASE; Neurofibromatosis, type I; Peripheral type neurofibromatosis. Identifiers: Orphanet 636, MedGen C0027831, MONDO:0018975, OMIM 162200. Disease mechanism: loss of function.

Submissions (2):

Labcorp Genetics (formerly Invitae), Labcorp
Classification: Pathogenic for Neurofibromatosis, type 1. Last evaluated: 2024-04-17. Review status: criteria provided, single submitter. Criteria: Invitae Variant Classification Sherloc (09022015). Collection method: clinical testing. Allele origin: germline.
Comment: This sequence change creates a premature translational stop signal (p.Leu925*) in the NF1 gene. It is expected to result in an absent or disrupted protein product. Loss-of-function variants in NF1 are known to be pathogenic (PMID: 10712197, 23913538). This variant is not present in population databases (gnomAD no frequency). This variant has not been reported in the literature in individuals affected with NF1-related conditions. Algorithms developed to predict the effect of sequence changes on RNA splicing suggest that this variant may disrupt the consensus splice site. For these reasons, this variant has been classified as Pathogenic.

Genomic Medicine Center of Excellence, King Faisal Specialist Hospital and Research Centre
Classification: Likely pathogenic for Neurofibromatosis, type 1. Last evaluated: 2024-03-29. Review status: criteria provided, single submitter. Criteria: ACMG Guidelines, 2015. Collection method: clinical testing. Allele origin: germline.

Literature cited by the submitters: PubMed 10712197 (cited by Labcorp Genetics (formerly Invitae), Labcorp); PubMed 23913538 (cited by Labcorp Genetics (formerly Invitae), Labcorp).

NM_001042492.3(NF1):c.2774del (p.Glu924_Leu925insTer)

Gene: NF1 (neurofibromin 1; plus strand). Cytogenetic location: 17q11.2.
Variant type: Deletion.
Coding change: c.2774del on transcript NM_001042492.3 (MANE Select); coding-DNA position 2774, one base deleted (T; older notation c.2774delT).
Protein change: p.Glu924_Leu925insTer.
Molecular consequence: nonsense. On other transcripts: frameshift variant (1).
Genome position (GRCh38, 1-based): chr17:31,229,389, T deleted; the last of 2 consecutive T bases (chr17:31,229,388-31,229,389); deleting either gives the same sequence. VCF-style (leftmost placement, unchanged base first): chr17-31229387-AT-A. GRCh37 (hg19) VCF-style: chr17-29556405-AT-A.
Other names: c.2774delT, p.Leu925Terfs (NM_000267.4).
Identifiers: ClinVar variation 3065616 (VCV003065616.3), dbSNP rs2508188482, ClinGen allele CA2740097807.